The following is an entry in ClinVar:

ClinVar aggregate classification (germline): Likely pathogenic (1 of 4 stars; one submission).

Allele frequency attached by ClinVar (database versions not stated): gnomAD 0.00001; TOPMed 0.00001.

Submission:

Labcorp Genetics (formerly Invitae), Labcorp
Classification: Likely pathogenic. Last evaluated: 2024-04-22. Review status: criteria provided, single submitter. Criteria: Invitae Variant Classification Sherloc (09022015). Collection method: clinical testing. Allele origin: germline.
Comment: This sequence change affects the initiator methionine of the CD40 mRNA. There are no downstream in-frame methionine residues; therefore, it is expected to result in an absent or disrupted protein product. Loss-of-function variants in CD40 are known to be pathogenic (PMID: 20702779, 24122029, 35729272). This variant is not present in population databases (gnomAD no frequency). This variant has not been reported in the literature in individuals affected with CD40-related conditions. ClinVar contains an entry for this variant (Variation ID: 2183112). Experimental studies and prediction algorithms are not available or were not evaluated, and the functional significance of this variant is currently unknown. In summary, the currently available evidence indicates that the variant is pathogenic, but additional data are needed to prove that conclusively. Therefore, this variant has been classified as Likely Pathogenic.

Literature cited by the submitters: PubMed 20702779; PubMed 24122029; PubMed 35729272.

NM_001250.6(CD40):c.1del (p.Met1fs)

Genes: CD40 (CD40 molecule; plus strand), LOC127893450 (CRISPRi-FlowFISH-validated CD40 regulatory element GRCh37_chr20:44746135-44748232; plus strand). Cytogenetic location: 20q13.12.
Variant type: Deletion.
Coding change: c.1del on transcript NM_001250.6 (MANE Select); coding-DNA position 1, one base deleted (A; older notation c.1delA).
Protein change: p.Met1fs; shifts the reading frame from methionine 1.
Molecular consequence: frameshift variant, initiator codon variant. On other transcripts: non-coding transcript variant (2).
Genome position (GRCh38, 1-based): chr20:46,118,344, A deleted. VCF-style (leftmost placement, unchanged base first): chr20-46118343-TA-T. GRCh37 (hg19) VCF-style: chr20-44746982-TA-T.
Other names: c.1del, p.Met1fs (NM_001302753.2, NM_001322421.2, NM_001322422.2 and 2 more transcripts); short protein forms M1fs.
Identifiers: ClinVar variation 2183112 (VCV002183112.4), dbSNP rs1047077710, ClinGen allele CA315648960.
Genomic context (GRCh38, chr20:46,118,343, plus strand): 5'-GGGAGTCAGCAGAGGCCTCGCTCGGGCGCCCAGTGGTCCTGCCGCCTGGTCTCACCTCGC[TA>T]TGGTTCGTCTGCCTCTGCAGTGCGTCCTCTGGGGCTGCTTGCTGACCGCTGTGAGTTGTT-3'